The following is an entry in ClinVar:

NM_006734.4(HIVEP2):c.6301T>C (p.Ser2101Pro)

Gene: HIVEP2 (HIVEP zinc finger 2; minus strand). Cytogenetic location: 6q24.2.
Variant type: single nucleotide variant.
Coding change: c.6301T>C on transcript NM_006734.4 (MANE Select); coding-DNA position 6301, T replaced by C.
Protein change: p.Ser2101Pro; replaces serine 2101 with proline.
Molecular consequence: missense variant.
Genome position (GRCh38, 1-based): chr6:142,759,987, A>G on the plus strand (T>C on the coding strand, the complement: HIVEP2 is on the minus strand). VCF-style: chr6-142759987-A-G. GRCh37 (hg19) VCF-style: chr6-143081124-A-G.
Other names: c.6301T>C, p.Ser2101Pro (NM_001438450.1, NM_001438451.1, NM_001438449.1); short protein forms S2101P.
Identifiers: ClinVar variation 4811294 (VCV004811294.1).

ClinVar aggregate classification (germline): Uncertain significance (1 of 4 stars; one submission).

Submission:

Labcorp Genetics (formerly Invitae), Labcorp
Classification: Uncertain significance. Last evaluated: 2025-12-05. Review status: criteria provided, single submitter. Criteria: Invitae Variant Classification Sherloc (09022015). Collection method: clinical testing. Allele origin: germline.
Comment: This sequence change replaces serine, which is neutral and polar, with proline, which is neutral and non-polar, at codon 2101 of the HIVEP2 protein (p.Ser2101Pro). This variant is not present in population databases (gnomAD no frequency). This variant has not been reported in the literature in individuals affected with HIVEP2-related conditions. An algorithm developed to predict the effect of missense changes on protein structure and function (PolyPhen-2) suggests that this variant is likely to be disruptive. In summary, the available evidence is currently insufficient to determine the role of this variant in disease. Therefore, it has been classified as a Variant of Uncertain Significance.